The following is an entry in ClinVar:

ClinVar aggregate classification (germline): Uncertain significance (1 of 4 stars; one submission).

Allele frequency attached by ClinVar (database versions not stated): gnomAD exomes below 0.00001.
gnomAD v4.1: 1 of 1,211,929 alleles (0.000083%); highest among the groups gnomAD compares: Non-Finnish European, 0.00011%; no homozygotes.

Submission:

GeneDx
Classification: Uncertain significance. Last evaluated: 2023-03-03. Review status: criteria provided, single submitter. Criteria: GeneDx Variant Classification Process June 2021. Collection method: clinical testing. Allele origin: germline. Affected: yes.
Comment: Not observed at significant frequency in large population cohorts (gnomAD); In silico analysis supports that this missense variant has a deleterious effect on protein structure/function; Has not been previously published as pathogenic or benign to our knowledge

NM_002764.4(PRPS1):c.296A>G (p.Lys99Arg)

Gene: PRPS1 (phosphoribosyl pyrophosphate synthetase 1; plus strand). Cytogenetic location: Xq22.3.
Variant type: single nucleotide variant.
Coding change: c.296A>G on transcript NM_002764.4 (MANE Select); coding-DNA position 296, A replaced by G.
Protein change: p.Lys99Arg; replaces lysine 99 with arginine.
Molecular consequence: missense variant. On other transcripts: intron variant (1).
Genome position (GRCh38, 1-based): chrX:107,639,468, A>G. VCF-style: chrX-107639468-A-G. GRCh37 (hg19) VCF-style: chrX-106882698-A-G.
Other names: c.-82-5709A>G (NM_001204402.2); short protein forms K99R.
Identifiers: ClinVar variation 2578106 (VCV002578106.1), dbSNP rs2521336824, ClinGen allele CA413805756.
Genomic context (GRCh38, chrX:107,639,468, plus strand): 5'-TTGCTTCAGCCAGCCGGGTTACTGCAGTCATCCCATGCTTCCCTTATGCCCGGCAGGATA[A>G]GAAAGATAAGGTAGGAGCAGAATTTTATTTTTTGAGCAGAGGAAGCAGGAGCACTTGCCC-3'
Protein context (NP_002755.1, residues 89-109): IPCFPYARQD[Lys99Arg]KDKSRAPISA